The following is an entry in ClinVar:

ClinVar aggregate classification (germline): Uncertain significance (1 of 4 stars; one submission).

gnomAD v4.1: 5 of 1,614,054 alleles (0.00031%); highest among the groups gnomAD compares: South Asian, 0.0044%; no homozygotes.

Submission:

Labcorp Genetics (formerly Invitae), Labcorp
Classification: Uncertain significance. Last evaluated: 2024-04-03. Review status: criteria provided, single submitter. Criteria: Invitae Variant Classification Sherloc (09022015). Collection method: clinical testing. Allele origin: germline.
Comment: This sequence change replaces threonine, which is neutral and polar, with isoleucine, which is neutral and non-polar, at codon 1099 of the ADGRA3 protein (p.Thr1099Ile). This variant is present in population databases (no rsID available, gnomAD 0.0009%). This variant has not been reported in the literature in individuals affected with ADGRA3-related conditions. An algorithm developed to predict the effect of missense changes on protein structure and function (PolyPhen-2) suggests that this variant is likely to be disruptive. In summary, the available evidence is currently insufficient to determine the role of this variant in disease. Therefore, it has been classified as a Variant of Uncertain Significance.

NM_145290.4(ADGRA3):c.3296C>T (p.Thr1099Ile)

Gene: ADGRA3 (adhesion G protein-coupled receptor A3; minus strand). Cytogenetic location: 4p15.2.
Variant type: single nucleotide variant.
Coding change: c.3296C>T on transcript NM_145290.4 (MANE Select); coding-DNA position 3296, C replaced by T.
Protein change: p.Thr1099Ile; replaces threonine 1099 with isoleucine.
Molecular consequence: missense variant.
Genome position (GRCh38, 1-based): chr4:22,388,375, G>A on the plus strand (C>T on the coding strand, the complement: ADGRA3 is on the minus strand). VCF-style: chr4-22388375-G-A. GRCh37 (hg19) VCF-style: chr4-22389998-G-A.
Other names: short protein forms T1099I.
Identifiers: ClinVar variation 3607590 (VCV003607590.2).
Genomic context (GRCh38, chr4:22,388,375, plus strand): 5'-TGCAAGTTTGTTAATTTGCAGCCCTGGGAGGAATTTTTGAAGCTTGAAGCACTTTTGTTT[G>A]TGCATGAAGACTCCGCACTGCTATTGGGGCATTTGGGTGCCTCTCCATTCGTCCCATTAG-3'
Protein context (NP_660333.2, residues 1089-1109): CPNSSAESSC[Thr1099Ile]NKSASSFKNS